The following is an entry in ClinVar:

ClinVar aggregate classification (germline): Pathogenic (0 of 4 stars; one submission).

Conditions:
Charcot-Marie-Tooth disease type 4A. Also called: Charcot-Marie-Tooth disease, demyelinating, autosomal recessive, type 4a. Identifiers: Orphanet 99948, MedGen C1859198, MONDO:0008961, OMIM 214400.

Submission:

Service de genetique medicale, Pr. Levy, Hopital de La Timone Enfants, APHM
Classification: Pathogenic for Charcot-Marie-Tooth disease type 4A. Last evaluated: 2018-11-07. Review status: no assertion criteria provided. Collection method: clinical testing. Allele origin: inherited. Inheritance: Autosomal recessive inheritance. Affected: yes. Observed: 1 homozygote.

NC_000008.9:g.(75248716_75262617)_(75559358_75586021)del

Gene: GDAP1 (ganglioside induced differentiation associated protein 1; plus strand). Cytogenetic location: 8q21.11.
Variant type: Deletion.
Identifiers: ClinVar variation 598944 (VCV000598944.3).